The following is an entry in ClinVar:

ClinVar aggregate classification (germline): Uncertain significance (1 of 4 stars; one submission).

Submission:

Labcorp Genetics (formerly Invitae), Labcorp
Classification: Uncertain significance. Last evaluated: 2025-10-06. Review status: criteria provided, single submitter. Criteria: Invitae Variant Classification Sherloc (09022015). Collection method: clinical testing. Allele origin: germline.
Comment: This sequence change replaces valine, which is neutral and non-polar, with methionine, which is neutral and non-polar, at codon 800 of the MYH3 protein (p.Val800Met). This variant is not present in population databases (gnomAD no frequency). This variant has not been reported in the literature in individuals affected with MYH3-related conditions. ClinVar contains an entry for this variant (Variation ID: 2818288). Invitae Evidence Modeling of protein sequence and biophysical properties (such as structural, functional, and spatial information, amino acid conservation, physicochemical variation, residue mobility, and thermodynamic stability) indicates that this missense variant is not expected to disrupt MYH3 protein function with a negative predictive value of 95%. In summary, the available evidence is currently insufficient to determine the role of this variant in disease. Therefore, it has been classified as a Variant of Uncertain Significance.

NM_002470.4(MYH3):c.2398G>A (p.Val800Met)

Gene: MYH3 (myosin heavy chain 3; minus strand). Cytogenetic location: 17p13.1.
Variant type: single nucleotide variant.
Coding change: c.2398G>A on transcript NM_002470.4 (MANE Select); coding-DNA position 2398, G replaced by A.
Protein change: p.Val800Met; replaces valine 800 with methionine.
Molecular consequence: missense variant.
Genome position (GRCh38, 1-based): chr17:10,640,361, C>T on the plus strand (G>A on the coding strand, the complement: MYH3 is on the minus strand). VCF-style: chr17-10640361-C-T. GRCh37 (hg19) VCF-style: chr17-10543678-C-T.
Other names: short protein forms V800M.
Identifiers: ClinVar variation 2818288 (VCV002818288.3), dbSNP rs2508602183, ClinGen allele CA398163861.